The following is an entry in ClinVar:

ClinVar aggregate classification (germline): Uncertain significance. Review status: criteria provided, multiple submitters, no conflicts (2 of 4 stars). 3 submissions from 3 submitters: Uncertain significance (2). 1 of the submissions does not count toward it. Last evaluated 2025-05-29.

Conditions:
Primary ciliary dyskinesia. Also called: Ciliary dyskinesia. Identifiers: Orphanet 244, MedGen C0008780, MONDO:0016575, HP:0012265.

Allele frequency attached by ClinVar (database versions not stated): ExAC 0.00002; gnomAD exomes 0.00002; TOPMed 0.00006; gnomAD 0.00010; 1000 Genomes Project 0.00020; 1000 Genomes Project 30x 0.00031.

Submissions (3):

Ambry Genetics
Classification: Uncertain significance for Primary ciliary dyskinesia. Last evaluated: 2025-05-29. Review status: criteria provided, single submitter. Criteria: Ambry Variant Classification Scheme 2023. Collection method: clinical testing. Allele origin: germline.

Labcorp Genetics (formerly Invitae), Labcorp
Classification: Uncertain significance for Primary ciliary dyskinesia. Last evaluated: 2022-06-27. Review status: criteria provided, single submitter. Criteria: Invitae Variant Classification Sherloc (09022015). Collection method: clinical testing. Allele origin: germline.
Comment: This sequence change replaces glutamic acid, which is acidic and polar, with glutamine, which is neutral and polar, at codon 440 of the DNAI2 protein (p.Glu440Gln). This variant is present in population databases (rs182986650, gnomAD 0.02%). This variant has not been reported in the literature in individuals affected with DNAI2-related conditions. ClinVar contains an entry for this variant (Variation ID: 241447). Algorithms developed to predict the effect of missense changes on protein structure and function (SIFT, PolyPhen-2, Align-GVGD) all suggest that this variant is likely to be tolerated. In summary, the available evidence is currently insufficient to determine the role of this variant in disease. Therefore, it has been classified as a Variant of Uncertain Significance.

Natera, Inc.
Classification: Uncertain significance for Primary ciliary dyskinesia. Last evaluated: 2019-10-28. Review status: no assertion criteria provided. Collection method: clinical testing. Allele origin: germline. Not counted in ClinVar's aggregate classification.

NM_023036.6(DNAI2):c.1318G>C (p.Glu440Gln)

Gene: DNAI2 (dynein axonemal intermediate chain 2; plus strand). Cytogenetic location: 17q25.1.
Variant type: single nucleotide variant.
Coding change: c.1318G>C on transcript NM_023036.6 (MANE Select); coding-DNA position 1318, G replaced by C.
Protein change: p.Glu440Gln; replaces glutamic acid 440 with glutamine.
Molecular consequence: missense variant. On other transcripts: non-coding transcript variant (1).
Genome position (GRCh38, 1-based): chr17:74,309,359, G>C. VCF-style: chr17-74309359-G-C. GRCh37 (hg19) VCF-style: chr17-72305498-G-C.
Other names: c.1318G>C, p.Glu440Gln (NM_001172810.3, NM_001353167.2); short protein forms E440Q.
Identifiers: ClinVar variation 241447 (VCV000241447.12), dbSNP rs182986650, ClinGen allele CA8745694.
Genomic context (GRCh38, chr17:74,309,359, plus strand): 5'-CCGACCGTTTTCTTTACCACCAGGATGGACGGAACCCTGGATATCTGGGACTTCATGTTC[G>C]AGCAGTGCGATCCCACCCTCAGCTTGAAGGTCACGCGCATGTCCCTCCTTGTGCATCCAG-3'
Protein context (NP_075462.3, residues 430-450): GTLDIWDFMF[Glu440Gln]QCDPTLSLKV